The following is an entry in ClinVar:

NM_144573.4(NEXN):c.498T>A (p.Asp166Glu)

Gene: NEXN (nexilin F-actin binding protein; plus strand). Cytogenetic location: 1p31.1.
Variant type: single nucleotide variant.
Coding change: c.498T>A on transcript NM_144573.4 (MANE Select); coding-DNA position 498, T replaced by A.
Protein change: p.Asp166Glu; replaces aspartic acid 166 with glutamic acid.
Molecular consequence: missense variant.
Genome position (GRCh38, 1-based): chr1:77,926,422, T>A. VCF-style: chr1-77926422-T-A. GRCh37 (hg19) VCF-style: chr1-78392107-T-A.
Other names: c.306T>A, p.Asp102Glu (NM_001172309.2); short protein forms D102E, D166E.
Identifiers: ClinVar variation 3229177 (VCV003229177.2), dbSNP rs1393903654, ClinGen allele CA340872088.

ClinVar aggregate classification (germline): Uncertain significance. Review status: criteria provided, multiple submitters, no conflicts (2 of 4 stars). 2 submissions from 2 submitters: Uncertain significance (2). Last evaluated 2024-06-04.

Conditions:
Cardiovascular phenotype. Identifiers: MedGen CN230736.

Allele frequency attached by ClinVar (database versions not stated): gnomAD 0.00001; TOPMed 0.00001.
gnomAD v4.1: 28 of 1,594,698 alleles (0.0018%); highest among the groups gnomAD compares: Non-Finnish European, 0.0023%; no homozygotes.

Submissions (2):

GeneDx
Classification: Uncertain significance. Last evaluated: 2024-06-04. Review status: criteria provided, single submitter. Criteria: GeneDx Variant Classification Process June 2021. Collection method: clinical testing. Allele origin: germline. Affected: yes.
Comment: Not observed at significant frequency in large population cohorts (gnomAD); In silico analysis indicates that this missense variant does not alter protein structure/function; Has not been previously published as pathogenic or benign to our knowledge

Ambry Genetics
Classification: Uncertain significance for Cardiovascular phenotype. Last evaluated: 2024-01-11. Review status: criteria provided, single submitter. Criteria: Ambry Variant Classification Scheme 2023. Collection method: clinical testing. Allele origin: germline.
Comment: The p.D166E variant (also known as c.498T>A), located in coding exon 6 of the NEXN gene, results from a T to A substitution at nucleotide position 498. The aspartic acid at codon 166 is replaced by glutamic acid, an amino acid with highly similar properties. This amino acid position is conserved. In addition, this alteration is predicted to be tolerated by in silico analysis. Since supporting evidence is limited at this time, the clinical significance of this alteration remains unclear.